The following is an entry in ClinVar:

NM_020458.4(TTC7A):c.427A>G (p.Met143Val)

Gene: TTC7A (tetratricopeptide repeat domain 7A; plus strand). Cytogenetic location: 2p21.
Variant type: single nucleotide variant.
Coding change: c.427A>G on transcript NM_020458.4 (MANE Select); coding-DNA position 427, A replaced by G.
Protein change: p.Met143Val; replaces methionine 143 with valine.
Molecular consequence: missense variant. On other transcripts: 5 prime UTR variant (1).
Genome position (GRCh38, 1-based): chr2:46,956,917, A>G. VCF-style: chr2-46956917-A-G. GRCh37 (hg19) VCF-style: chr2-47184056-A-G.
Other names: c.427A>G, p.Met143Val (NM_001288951.2); c.325A>G, p.Met109Val (NM_001288953.2); c.-478A>G (NM_001288955.2); c.427A>G (NM_020458.2); short protein forms M109V, M143V.
Identifiers: ClinVar variation 859397 (VCV000859397.11), dbSNP rs762713132, ClinGen allele CA1647152.
Genomic context (GRCh38, chr2:46,956,917, plus strand): 5'-GCCATGCTGATCCTGGGCAAACTGCATTACGTGGAGGGCTCATACCGAGATGCCATCAGC[A>G]TGTACGCACGGGCCGGGATTGATGACATGTCCATGGAGAACAAGCCCCTGTATCAGATGC-3'
Protein context (NP_065191.2, residues 133-153): VEGSYRDAIS[Met143Val]YARAGIDDMS

ClinVar aggregate classification (germline): Conflicting classifications of pathogenicity. Review status: criteria provided, conflicting classifications (1 of 4 stars). 3 submissions from 3 submitters: Uncertain significance (2); Likely benign (1). Last evaluated 2025-11-03.

Conditions:
Inborn genetic diseases. Identifiers: MedGen C0950123, MeSH D030342.
Multiple gastrointestinal atresias. Also called: Multiple intestinal atresia; FAMILIAL INTESTINAL POLYATRESIA SYNDROME. Identifiers: Orphanet 2300, MedGen C0220744, MONDO:0009465.

Allele frequency attached by ClinVar (database versions not stated): ExAC 0.00001; gnomAD exomes 0.00001; gnomAD 0.00006; TOPMed 0.00008.

Submissions (3):

Labcorp Genetics (formerly Invitae), Labcorp
Classification: Uncertain significance for Multiple gastrointestinal atresias. Last evaluated: 2025-11-03. Review status: criteria provided, single submitter. Criteria: Invitae Variant Classification Sherloc (09022015). Collection method: clinical testing. Allele origin: germline.
Comment: This sequence change replaces methionine, which is neutral and non-polar, with valine, which is neutral and non-polar, at codon 143 of the TTC7A protein (p.Met143Val). This variant is present in population databases (rs762713132, gnomAD 0.003%). This variant has not been reported in the literature in individuals affected with TTC7A-related conditions. ClinVar contains an entry for this variant (Variation ID: 859397). Invitae Evidence Modeling of protein sequence and biophysical properties (such as structural, functional, and spatial information, amino acid conservation, physicochemical variation, residue mobility, and thermodynamic stability) has been performed for this missense variant. However, the output from this modeling did not meet the statistical confidence thresholds required to predict the impact of this variant on TTC7A protein function. In summary, the available evidence is currently insufficient to determine the role of this variant in disease. Therefore, it has been classified as a Variant of Uncertain Significance.

Ambry Genetics
Classification: Uncertain significance for Inborn genetic diseases. Last evaluated: 2024-09-20. Review status: criteria provided, single submitter. Criteria: Ambry Variant Classification Scheme 2023. Collection method: clinical testing. Allele origin: germline.

Laboratorio de Genetica e Diagnostico Molecular, Hospital Israelita Albert Einstein
Classification: Likely benign. Last evaluated: 2019-11-26. Review status: criteria provided, single submitter. Criteria: ACMG Guidelines, 2015. Collection method: clinical testing. Allele origin: germline. Affected: yes.
Comment: ACMG classification criteria: PM2, BP1, BP4